The following is an entry in ClinVar:

NM_003647.3(DGKE):c.1502del (p.Ile501fs)

Gene: DGKE (diacylglycerol kinase epsilon; plus strand). Cytogenetic location: 17q22.
Variant type: Deletion.
Coding change: c.1502del on transcript NM_003647.3 (MANE Select); coding-DNA position 1502, one base deleted (T; older notation c.1502delT).
Protein change: p.Ile501fs; shifts the reading frame from isoleucine 501.
Molecular consequence: frameshift variant.
Genome position (GRCh38, 1-based): chr17:56,862,229, T deleted. VCF-style (leftmost placement, unchanged base first): chr17-56862228-AT-A. GRCh37 (hg19) VCF-style: chr17-54939589-AT-A.
Other names: short protein forms I501fs.
Identifiers: ClinVar variation 4985867 (VCV004985867.1).

ClinVar aggregate classification (germline): Likely pathogenic (1 of 4 stars; one submission).

Conditions:
DGKE-related disorder. Also called: DGKE-related condition.

Submission:

PreventionGenetics, part of Exact Sciences
Classification: Likely pathogenic for DGKE-related condition. Last evaluated: 2024-12-08. Review status: criteria provided, single submitter. Criteria: ACMG Guidelines, 2015. Collection method: clinical testing. Allele origin: germline.
Comment: The DGKE c.1502delT variant is predicted to result in a frameshift and premature protein termination (p.Ile501Lysfs*7). To our knowledge, this variant has not been reported in the literature or in a large population database (gnomAD), indicating this variant is rare. Frameshift variants in DGKE are expected to be pathogenic. This variant is interpreted as likely pathogenic.